The following is an entry in ClinVar:

NM_005559.4(LAMA1):c.4806+5G>T

Gene: LAMA1 (laminin subunit alpha 1; minus strand). Cytogenetic location: 18p11.31.
Variant type: single nucleotide variant.
Coding change: c.4806+5G>T on transcript NM_005559.4 (MANE Select); 5 bases into the intron after coding-DNA position 4806, G replaced by T.
Molecular consequence: intron variant.
Genome position (GRCh38, 1-based): chr18:6,997,737, C>A on the plus strand (G>T on the coding strand, the complement: LAMA1 is on the minus strand). VCF-style: chr18-6997737-C-A. GRCh37 (hg19) VCF-style: chr18-6997736-C-A.
Identifiers: ClinVar variation 2430549 (VCV002430549.1), dbSNP rs373281137, ClinGen allele CA295763697.

ClinVar aggregate classification (germline): Uncertain significance (1 of 4 stars; one submission).

Allele frequency attached by ClinVar (database versions not stated): gnomAD 0.00001; TOPMed 0.00002; ESP Exome Variant Server 0.00008.
gnomAD v4.1: 2 of 1,612,804 alleles (0.00012%); highest among the groups gnomAD compares: African/African-American, 0.0027%; no homozygotes.

Submission:

GeneDx
Classification: Uncertain significance. Last evaluated: 2022-08-10. Review status: criteria provided, single submitter. Criteria: GeneDx Variant Classification Process June 2021. Collection method: clinical testing. Allele origin: germline. Affected: yes.
Comment: Not observed at significant frequency in large population cohorts (gnomAD); In silico analysis supports that this variant does not alter splicing; Has not been previously published as pathogenic or benign to our knowledge